The following is an entry in ClinVar:

NM_000257.4(MYH7):c.530+294C>A

Gene: MYH7 (myosin heavy chain 7; minus strand). Cytogenetic location: 14q11.2.
Variant type: single nucleotide variant.
Coding change: c.530+294C>A on transcript NM_000257.4 (MANE Select); 294 bases into the intron after coding-DNA position 530, C replaced by A.
Molecular consequence: intron variant.
Genome position (GRCh38, 1-based): chr14:23,432,185, G>T on the plus strand (C>A on the coding strand, the complement: MYH7 is on the minus strand). VCF-style: chr14-23432185-G-T. GRCh37 (hg19) VCF-style: chr14-23901394-G-T.
Identifiers: ClinVar variation 680739 (VCV000680739.1), dbSNP rs73587634, ClinGen allele CA257826270.
Genomic context (GRCh38, chr14:23,432,185, plus strand): 5'-GGGCCTGGGCTGTTTTGGGAAAAGTTGGTAGGGCTGGAAGAATGGGAAATGTTTCTGAAG[G>T]GAAAGAAAATGCAGAGGTGAAGACATGGCGATAATGAGCTTCTGGATAAACGCGTGATGA-3'

ClinVar aggregate classification (germline): Likely benign (1 of 4 stars; one submission).

Allele frequency attached by ClinVar (database versions not stated): gnomAD 0.02383 and 0.02470; TOPMed 0.02871; 1000 Genomes Project 0.04692; 1000 Genomes Project 30x 0.04747.
gnomAD v4.1: 3,779 of 152,246 alleles (2.5%); highest among the groups gnomAD compares: East Asian, 7.4%; 103 homozygotes.

Submission:

GeneDx
Classification: Likely benign. Last evaluated: 2018-06-14. Review status: criteria provided, single submitter. Criteria: GeneDx Variant Classification (06012015). Collection method: clinical testing. Allele origin: germline. Affected: yes.
Comment: This variant is considered likely benign or benign based on one or more of the following criteria: it is a conservative change, it occurs at a poorly conserved position in the protein, it is predicted to be benign by multiple in silico algorithms, and/or has population frequency not consistent with disease.